The following is an entry in ClinVar:

NM_001165963.4(SCN1A):c.383C>A (p.Ser128Ter)

Gene: SCN1A (sodium voltage-gated channel alpha subunit 1; minus strand). Cytogenetic location: 2q24.3.
Variant type: single nucleotide variant.
Coding change: c.383C>A on transcript NM_001165963.4 (MANE Select); coding-DNA position 383, C replaced by A.
Protein change: p.Ser128Ter; replaces serine 128 with a stop codon.
Molecular consequence: nonsense. On other transcripts: 5 prime UTR variant (1), non-coding transcript variant (1).
Genome position (GRCh38, 1-based): chr2:166,058,570, G>T on the plus strand (C>A on the coding strand, the complement: SCN1A is on the minus strand). VCF-style: chr2-166058570-G-T. GRCh37 (hg19) VCF-style: chr2-166915080-G-T.
Other names: c.383C>A, p.Ser128Ter (NM_001165964.3, NM_001202435.3, NM_001353948.2 and 10 more transcripts); c.-2043C>A (NM_001353961.2); short protein forms S128*.
Identifiers: ClinVar variation 1352506 (VCV001352506.7), dbSNP rs2105917674, ClinGen allele CA349076724.

ClinVar aggregate classification (germline): Pathogenic (1 of 4 stars; one submission).

Conditions:
Early-infantile DEE. Also called: Early infantile epileptic encephalopathy; Early infantile epileptic encephalopathy with suppression bursts; Ohtahara syndrome. Identifiers: Orphanet 1934, MedGen C0393706, MONDO:0800491.

Submission:

Labcorp Genetics (formerly Invitae), Labcorp
Classification: Pathogenic for Early-infantile DEE. Last evaluated: 2021-08-28. Review status: criteria provided, single submitter. Criteria: Invitae Variant Classification Sherloc (09022015). Collection method: clinical testing. Allele origin: germline.
Comment: This sequence change creates a premature translational stop signal (p.Ser128*) in the SCN1A gene. It is expected to result in an absent or disrupted protein product. Loss-of-function variants in SCN1A are known to be pathogenic (PMID: 17347258, 18930999). This variant is not present in population databases (ExAC no frequency). This premature translational stop signal has been observed in individual(s) with Dravet syndrome (PMID: 12821740, 24623842). In at least one individual the variant was observed to be de novo. For these reasons, this variant has been classified as Pathogenic.

Literature cited by the submitters: PubMed 17347258; PubMed 18930999; PubMed 12821740; PubMed 24623842.